The following is an entry in ClinVar:

NM_001368397.1(FRMPD4):c.867C>T (p.Phe289=)

Gene: FRMPD4 (FERM and PDZ domain containing 4; plus strand). Cytogenetic location: Xp22.2.
Variant type: single nucleotide variant.
Coding change: c.867C>T on transcript NM_001368397.1 (MANE Select); coding-DNA position 867, C replaced by T.
Protein change: p.Phe289=; no amino-acid change (phenylalanine 289 retained).
Molecular consequence: synonymous variant.
Genome position (GRCh38, 1-based): chrX:12,694,388, C>T. VCF-style: chrX-12694388-C-T. GRCh37 (hg19) VCF-style: chrX-12712507-C-T.
Other names: c.978C>T, p.Phe326= (NM_001368395.3, NM_001368398.3); c.873C>T, p.Phe291= (NM_001368396.3); c.858C>T, p.Phe286= (NM_001368399.3); c.747C>T, p.Phe249= (NM_001368400.3); c.843C>T, p.Phe281= (NM_001368401.1, NM_001368402.3); c.867C>T, p.Phe289= (NM_014728.3).
Identifiers: ClinVar variation 2637727 (VCV002637727.1), dbSNP rs991451035, ClinGen allele CA326100840.

ClinVar aggregate classification (germline): Likely benign (1 of 4 stars; one submission).

Allele frequency attached by ClinVar (database versions not stated): gnomAD exomes below 0.00001; TOPMed 0.00001.

Submission:

Women's Health and Genetics/Laboratory Corporation of America, LabCorp
Classification: Likely benign. Last evaluated: 2023-10-13. Review status: criteria provided, single submitter. Criteria: LabCorp Variant Classification Summary - May 2015. Collection method: clinical testing. Allele origin: germline.
Comment: Variant summary: FRMPD4 c.867C>T alters a conserved nucleotide resulting in a synonymous change. Consensus agreement among computation tools predict no significant impact on normal splicing. However, these predictions have yet to be confirmed by functional studies. The variant was absent in 183296 control chromosomes. The available data on variant occurrences in the general population are insufficient to allow any conclusion about variant significance. To our knowledge, no occurrence of c.867C>T in individuals affected with X-Linked Intellectual Disability 104 and no experimental evidence demonstrating its impact on protein function have been reported. No submitters have cited clinical-significance assessments for this variant to ClinVar after 2014. Based on the evidence outlined above, the variant was classified as likely benign.